The following is an entry in ClinVar:

ClinVar aggregate classification (germline): Uncertain significance (1 of 4 stars; one submission).

Allele frequency attached by ClinVar (database versions not stated): gnomAD exomes below 0.00001 and 0.00001.
gnomAD v4.1: 1 of 1,583,966 alleles (0.000063%); no homozygotes.

Submission:

Greenwood Genetic Center Diagnostic Laboratories, Greenwood Genetic Center
Classification: Uncertain significance. Last evaluated: 2021-03-03. Review status: criteria provided, single submitter. Criteria: ACMG Guidelines, 2015. Collection method: clinical testing. Allele origin: germline. Affected: yes.
Comment: PM2

NM_001009944.3(PKD1):c.8116A>C (p.Thr2706Pro)

Gene: PKD1 (polycystin 1, transient receptor potential channel interacting; minus strand). Cytogenetic location: 16p13.3.
Variant type: single nucleotide variant.
Coding change: c.8116A>C on transcript NM_001009944.3 (MANE Select); coding-DNA position 8116, A replaced by C.
Protein change: p.Thr2706Pro; replaces threonine 2706 with proline.
Molecular consequence: missense variant.
Genome position (GRCh38, 1-based): chr16:2,104,543, T>G on the plus strand (A>C on the coding strand, the complement: PKD1 is on the minus strand). VCF-style: chr16-2104543-T-G. GRCh37 (hg19) VCF-style: chr16-2154544-T-G.
Other names: c.8116A>C, p.Thr2706Pro (NM_000296.4); short protein forms T2706P.
Identifiers: ClinVar variation 1331600 (VCV001331600.4), dbSNP rs1430379983, ClinGen allele CA394365376.
Genomic context (GRCh38, chr16:2,104,543, plus strand): 5'-CACGGGCCGCGGCACCTGTGATGTTGAGGATGCTGTCTCCGATGGCGGTGGGCGTCACGG[T>G]GCCCGCGGTGGTCTCTGCCTGCAGGATGAGCATCATGGCCTCCAGCTTGTGCAGCGTCTG-3'
Protein context (NP_001009944.3, residues 2696-2716): LILQAETTAG[Thr2706Pro]VTPTAIGDSI